The following is an entry in ClinVar:

ClinVar aggregate classification (germline): Uncertain significance (1 of 4 stars; one submission).

Allele frequency attached by ClinVar (database versions not stated): ESP Exome Variant Server 0.00008; TOPMed 0.00016; gnomAD 0.00017; ExAC 0.00020; gnomAD exomes 0.00045.
gnomAD v4.1: 673 of 1,613,850 alleles (0.042%); highest among the groups gnomAD compares: Non-Finnish European, 0.055%; no homozygotes.

Submission:

Labcorp Genetics (formerly Invitae), Labcorp
Classification: Uncertain significance. Last evaluated: 2022-09-28. Review status: criteria provided, single submitter. Criteria: Invitae Variant Classification Sherloc (09022015). Collection method: clinical testing. Allele origin: germline.
Comment: In summary, the available evidence is currently insufficient to determine the role of this variant in disease. Therefore, it has been classified as a Variant of Uncertain Significance. Advanced modeling of protein sequence and biophysical properties (such as structural, functional, and spatial information, amino acid conservation, physicochemical variation, residue mobility, and thermodynamic stability) performed at Invitae indicates that this missense variant is not expected to disrupt DMRT1 protein function. This missense change has been observed in individual(s) with male infertility (PMID: 24934491). This variant is present in population databases (rs139434590, gnomAD 0.04%), and has an allele count higher than expected for a pathogenic variant. This sequence change replaces aspartic acid, which is acidic and polar, with histidine, which is basic and polar, at codon 331 of the DMRT1 protein (p.Asp331His).

Literature cited by the submitters: PubMed 24934491.

NM_021951.3(DMRT1):c.991G>C (p.Asp331His)

Gene: DMRT1 (doublesex and mab-3 related transcription factor 1; plus strand). Cytogenetic location: 9p24.3.
Variant type: single nucleotide variant.
Coding change: c.991G>C on transcript NM_021951.3 (MANE Select); coding-DNA position 991, G replaced by C.
Protein change: p.Asp331His; replaces aspartic acid 331 with histidine.
Molecular consequence: missense variant.
Genome position (GRCh38, 1-based): chr9:968,008, G>C. VCF-style: chr9-968008-G-C. GRCh37 (hg19) VCF-style: chr9-968008-G-C.
Other names: c.517G>C, p.Asp173His (NM_001363767.1); short protein forms D331H, D173H.
Identifiers: ClinVar variation 2085775 (VCV002085775.4), dbSNP rs139434590, ClinGen allele CA4961773.